The following is an entry in ClinVar:

NM_001267550.2(TTN):c.15185G>A (p.Ser5062Asn)

Gene: TTN (titin; minus strand). Cytogenetic location: 2q31.2.
Variant type: single nucleotide variant.
Coding change: c.15185G>A on transcript NM_001267550.2 (MANE Select); coding-DNA position 15185, G replaced by A.
Protein change: p.Ser5062Asn; replaces serine 5062 with asparagine.
Molecular consequence: missense variant. On other transcripts: intron variant (3).
Genome position (GRCh38, 1-based): chr2:178,734,739, C>T on the plus strand (G>A on the coding strand, the complement: TTN is on the minus strand). VCF-style: chr2-178734739-C-T. GRCh37 (hg19) VCF-style: chr2-179599466-C-T.
Other names: p.S4745N:AGT>AAT; c.14234G>A, p.Ser4745Asn (NM_001256850.1); c.11453G>A, p.Ser3818Asn (NM_133378.4); c.13282+3343G>A (NM_003319.4); c.13858+3343G>A (NM_133437.4); c.13657+3343G>A (NM_133432.3); short protein forms S4745N, S5062N, S3818N.
Identifiers: ClinVar variation 203244 (VCV000203244.15), dbSNP rs371687650, ClinGen allele CA311788.
Genomic context (GRCh38, chr2:178,734,739, plus strand): 5'-ATACTGGATGGAAACTCAGTAAACAAACCTTTGATAACTATTTCAGTACTGCAGCTATCA[C>T]TGCCGACGTCATTCACTGCTTCACATGAGTAACTCCCACTGTCTTCAACTTTTACATCCG-3'
Protein context (NP_001254479.2, residues 5052-5072): YSCEAVNDVG[Ser5062Asn]DSCSTEIVIK

ClinVar aggregate classification (germline): Conflicting classifications of pathogenicity. Review status: criteria provided, conflicting classifications (1 of 4 stars). 3 submissions from 3 submitters: Uncertain significance (1); Likely benign (2). Last evaluated 2026-01-25.

Conditions:
Dilated cardiomyopathy 1G (CMD1G). Identifiers: Orphanet 154, MedGen C1858763, MONDO:0011400, OMIM 604145.
Autosomal recessive limb-girdle muscular dystrophy type 2J (LGMDR10). Also called: MUSCULAR DYSTROPHY, LIMB-GIRDLE, AUTOSOMAL RECESSIVE 10; Limb-girdle muscular dystrophy, type 2J. Identifiers: Orphanet 140922, MedGen C1837342, MONDO:0012127, OMIM 608807.

Allele frequency attached by ClinVar (database versions not stated): gnomAD 0.00006; TOPMed 0.00006; ExAC 0.00009; ESP Exome Variant Server 0.00017.
gnomAD v4.1: 49 of 1,612,834 alleles (0.003%); highest among the groups gnomAD compares: Admixed American, 0.0017%; no homozygotes.

Submissions (3):

Labcorp Genetics (formerly Invitae), Labcorp
Classification: Likely benign for Dilated cardiomyopathy 1G; Autosomal recessive limb-girdle muscular dystrophy type 2J. Last evaluated: 2026-01-25. Review status: criteria provided, single submitter. Criteria: Invitae Variant Classification Sherloc (09022015). Collection method: clinical testing. Allele origin: germline.

GeneDx
Classification: Likely benign. Last evaluated: 2018-02-22. Review status: criteria provided, single submitter. Criteria: GeneDx Variant Classification (06012015). Collection method: clinical testing. Allele origin: germline. Affected: yes.
Comment: This variant is considered likely benign or benign based on one or more of the following criteria: it is a conservative change, it occurs at a poorly conserved position in the protein, it is predicted to be benign by multiple in silico algorithms, and/or has population frequency not consistent with disease.

Eurofins Ntd Llc (ga)
Classification: Uncertain significance. Last evaluated: 2017-08-31. Review status: criteria provided, single submitter. Criteria: EGL Classification Definitions 2015. Collection method: clinical testing. Allele origin: germline. Observed: 2 variant alleles, 2 heterozygotes.